The following is an entry in ClinVar:

ClinVar aggregate classification (germline): Uncertain significance. Review status: criteria provided, multiple submitters, no conflicts (2 of 4 stars). 3 submissions from 3 submitters: Uncertain significance (3). Last evaluated 2024-03-18.

Allele frequency attached by ClinVar (database versions not stated): gnomAD exomes below 0.00001 and 0.00001; TOPMed below 0.00001.
gnomAD v4.1: 10 of 1,610,268 alleles (0.00062%); highest among the groups gnomAD compares: East Asian, 0.0022%; no homozygotes.

Submissions (3):

Blueprint Genetics
Classification: Uncertain significance. Last evaluated: 2024-03-18. Review status: criteria provided, single submitter. Criteria: ACMG Guidelines, 2015. Collection method: clinical testing. Allele origin: germline.

Labcorp Genetics (formerly Invitae), Labcorp
Classification: Uncertain significance. Last evaluated: 2024-01-28. Review status: criteria provided, single submitter. Criteria: Invitae Variant Classification Sherloc (09022015). Collection method: clinical testing. Allele origin: germline.
Comment: This sequence change replaces glutamic acid, which is acidic and polar, with lysine, which is basic and polar, at codon 59 of the RAX2 protein (p.Glu59Lys). This variant is not present in population databases (gnomAD no frequency). This variant has not been reported in the literature in individuals affected with RAX2-related conditions. ClinVar contains an entry for this variant (Variation ID: 426594). An algorithm developed to predict the effect of missense changes on protein structure and function (PolyPhen-2) suggests that this variant is likely to be disruptive. In summary, the available evidence is currently insufficient to determine the role of this variant in disease. Therefore, it has been classified as a Variant of Uncertain Significance.

GeneDx
Classification: Uncertain significance. Last evaluated: 2017-04-11. Review status: criteria provided, single submitter. Criteria: GeneDx Variant Classification (06012015). Collection method: clinical testing. Allele origin: germline. Affected: yes.
Comment: The E59K variant in the RAX2 gene has not been reported previously as a pathogenic variant, nor as a benign variant, to our knowledge. The E59K variant is not observed in large population cohorts (Lek et al., 2016; 1000 Genomes Consortium et al., 2015; Exome Variant Server). The E59K variant is a non-conservative amino acid substitution, which is likely to impact secondary protein structure as these residues differ in polarity, charge, size and/or other properties. This substitution occurs at a position that is conserved across species, and in silico analysis predicts this variant is probably damaging to the protein structure/function. We interpret E59K as a variant of uncertain significance.

NM_001319074.4(RAX2):c.175G>A (p.Glu59Lys)

Gene: RAX2 (retina and anterior neural fold homeobox 2; minus strand). Cytogenetic location: 19p13.3.
Variant type: single nucleotide variant.
Coding change: c.175G>A on transcript NM_001319074.4 (MANE Select); coding-DNA position 175, G replaced by A.
Protein change: p.Glu59Lys; replaces glutamic acid 59 with lysine.
Molecular consequence: missense variant.
Genome position (GRCh38, 1-based): chr19:3,771,568, C>T on the plus strand (G>A on the coding strand, the complement: RAX2 is on the minus strand). VCF-style: chr19-3771568-C-T. GRCh37 (hg19) VCF-style: chr19-3771566-C-T.
Other names: c.175G>A, p.Glu59Lys (NM_032753.4); short protein forms E59K.
Identifiers: ClinVar variation 426594 (VCV000426594.14), dbSNP rs1085307700, ClinGen allele CA403375426.
Genomic context (GRCh38, chr19:3,771,568, plus strand): 5'-TGTTGGGGGGTGCCCTCACCTGCACGCGCACCTCAGGTAGGTGCACCTTGGCTGCCAGCT[C>T]CTCACGGCTGTACACATCCGGGTAGTGAGAGGCCTCGAACGCCCGCTCCAGCTGGTGCAG-3'
Protein context (NP_001306003.2, residues 49-69): SHYPDVYSRE[Glu59Lys]LAAKVHLPEV